The following is an entry in ClinVar:

NM_001165963.4(SCN1A):c.1149C>A (p.Phe383Leu)

Gene: SCN1A (sodium voltage-gated channel alpha subunit 1; minus strand). Cytogenetic location: 2q24.3.
Variant type: single nucleotide variant.
Coding change: c.1149C>A on transcript NM_001165963.4 (MANE Select); coding-DNA position 1149, C replaced by A.
Protein change: p.Phe383Leu; replaces phenylalanine 383 with leucine.
Molecular consequence: missense variant. On other transcripts: 5 prime UTR variant (1), non-coding transcript variant (1).
Genome position (GRCh38, 1-based): chr2:166,047,648, G>T on the plus strand (C>A on the coding strand, the complement: SCN1A is on the minus strand). VCF-style: chr2-166047648-G-T. GRCh37 (hg19) VCF-style: chr2-166904158-G-T.
Other names: c.1149C>A, p.Phe383Leu (NM_001165964.3, NM_001202435.3, NM_001353948.2 and 10 more transcripts); c.-1277C>A (NM_001353961.2); short protein forms F383L.
Identifiers: ClinVar variation 1061224 (VCV001061224.10), dbSNP rs121917939, ClinGen allele CA349071111.

ClinVar aggregate classification (germline): Pathogenic (1 of 4 stars; one submission).

Conditions:
Early-infantile DEE. Also called: Ohtahara syndrome; Early infantile epileptic encephalopathy with suppression bursts; Early infantile epileptic encephalopathy. Identifiers: Orphanet 1934, MedGen C0393706, MONDO:0800491.

Submission:

Labcorp Genetics (formerly Invitae), Labcorp
Classification: Pathogenic for Early-infantile DEE. Last evaluated: 2024-02-23. Review status: criteria provided, single submitter. Criteria: Invitae Variant Classification Sherloc (09022015). Collection method: clinical testing. Allele origin: germline.
Comment: This sequence change replaces phenylalanine, which is neutral and non-polar, with leucine, which is neutral and non-polar, at codon 383 of the SCN1A protein (p.Phe383Leu). This variant is not present in population databases (gnomAD no frequency). This missense change has been observed in individual(s) with clinical features of SCN1A-related conditions (Invitae). In at least one individual the variant was observed to be de novo. ClinVar contains an entry for this variant (Variation ID: 1061224). Advanced modeling of protein sequence and biophysical properties (such as structural, functional, and spatial information, amino acid conservation, physicochemical variation, residue mobility, and thermodynamic stability) performed at Invitae indicates that this missense variant is expected to disrupt SCN1A protein function with a positive predictive value of 80%. Algorithms developed to predict the effect of sequence changes on RNA splicing suggest that this variant may disrupt the consensus splice site. For these reasons, this variant has been classified as Pathogenic.